The following is an entry in ClinVar:

NM_152564.5(VPS13B):c.8476A>G (p.Ser2826Gly)

Gene: VPS13B (vacuolar protein sorting 13 homolog B; plus strand). Cytogenetic location: 8q22.2.
Variant type: single nucleotide variant.
Coding change: c.8476A>G on transcript NM_152564.5 (MANE Select); coding-DNA position 8476, A replaced by G.
Protein change: p.Ser2826Gly; replaces serine 2826 with glycine.
Molecular consequence: missense variant.
Genome position (GRCh38, 1-based): chr8:99,818,743, A>G. VCF-style: chr8-99818743-A-G. GRCh37 (hg19) VCF-style: chr8-100830971-A-G.
Other names: c.8551A>G, p.Ser2851Gly (NM_017890.5); short protein forms S2826G, S2851G.
Identifiers: ClinVar variation 5007364 (VCV005007364.2).

ClinVar aggregate classification (germline): Uncertain significance (1 of 4 stars; one submission).

Conditions:
Cohen syndrome (COH1). Also called: PEPPER SYNDROME; Cutis verticis gyrata, retinitis pigmentosa, and sensorineural deafness. Identifiers: Orphanet 193, MedGen C0265223, MONDO:0008999, OMIM 216550.

Submission:

Juno Genomics, Hangzhou Juno Genomics, Inc
Classification: Uncertain significance for Cohen syndrome. Review status: criteria provided, single submitter. Criteria: ACMG Guidelines, 2015. Collection method: clinical testing. Allele origin: germline.
Comment: Absent from controls (or at extremely low frequency if recessive) in Genome Aggregation Database.;Multiple lines of computational evidence support a deleterious effect on the gene or gene product.